The following is an entry in ClinVar:

ClinVar aggregate classification (germline): Pathogenic (1 of 4 stars; one submission).

Conditions:
Cystic fibrosis (CF). Also called: MUCOVISCIDOSIS. Identifiers: Orphanet 586, MedGen C0010674, MONDO:0009061, OMIM 219700. Disease mechanism: loss of function.

Submission:

Institute of Human Genetics, University of Leipzig Medical Center
Classification: Pathogenic for Cystic fibrosis. Last evaluated: 2022-09-05. Review status: criteria provided, single submitter. Criteria: ACMG Guidelines, 2015. Collection method: curation. Allele origin: unknown. Affected: yes. Observed: 1 variant allele.
Comment: The variant was classified in the context of a project re-classifying variants in the German Cystic Fibrosis Registry (Muko.e.V.). Criteria applied: PVS1, PM2_SUP, PP4

NM_000492.4(CFTR):c.3180del (p.Gly1061fs)

Genes: CFTR (CF transmembrane conductance regulator; plus strand), CFTR-AS2 (CFTR antisense RNA 2; minus strand), LOC111674472 (DNase I hypersensitive sites in introns 16 and 17a of CFTR; plus strand). Cytogenetic location: 7q31.2.
Variant type: Deletion.
Coding change: c.3180del on transcript NM_000492.4 (MANE Select); coding-DNA position 3180, one base deleted (A; older notation c.3180delA).
Protein change: p.Gly1061fs; shifts the reading frame from glycine 1061.
Molecular consequence: frameshift variant.
Genome position (GRCh38, 1-based): chr7:117,611,621, A deleted; the last of 4 consecutive A bases (chr7:117,611,618-117,611,621); deleting any one gives the same sequence. VCF-style (leftmost placement, unchanged base first): chr7-117611617-TA-T. GRCh37 (hg19) VCF-style: chr7-117251671-TA-T.
Other names: short protein forms G1061fs.
Identifiers: ClinVar variation 1706010 (VCV001706010.1), dbSNP rs2485130252, ClinGen allele CA2580076368.